The following is an entry in ClinVar:

ClinVar aggregate classification (germline): Conflicting classifications of pathogenicity. Review status: criteria provided, conflicting classifications (1 of 4 stars). 4 submissions from 4 submitters: Uncertain significance (3); Likely benign (1). Last evaluated 2024-06-09.

Conditions:
Hereditary cancer-predisposing syndrome. Also called: Hereditary Cancer Syndrome; Neoplastic Syndromes, Hereditary; Hereditary neoplastic syndrome; Tumor predisposition. Identifiers: Orphanet 140162, MedGen C0027672, MeSH D009386, MONDO:0015356.
Breast-ovarian cancer, familial, susceptibility to, 3. Also called: RAD51C-Related Breast/Ovarian Cancer. Identifiers: Orphanet 145, MedGen C3150659, MONDO:0013253, OMIM 613399.
Fanconi anemia complementation group O. Also called: RAD51C-Related Fanconi Anemia. Identifiers: Orphanet 84, MedGen C3150653, MONDO:0013248, OMIM 613390.

Submissions (4):

Labcorp Genetics (formerly Invitae), Labcorp
Classification: Uncertain significance for Fanconi anemia complementation group O. Last evaluated: 2024-06-09. Review status: criteria provided, single submitter. Criteria: Invitae Variant Classification Sherloc (09022015). Collection method: clinical testing. Allele origin: germline.
Comment: This sequence change replaces asparagine, which is neutral and polar, with serine, which is neutral and polar, at codon 71 of the RAD51C protein (p.Asn71Ser). This variant is not present in population databases (gnomAD no frequency). This variant has not been reported in the literature in individuals affected with RAD51C-related conditions. ClinVar contains an entry for this variant (Variation ID: 820777). Algorithms developed to predict the effect of missense changes on protein structure and function output the following: SIFT: "Not Available"; PolyPhen-2: "Benign"; Align-GVGD: "Not Available". The serine amino acid residue is found in multiple mammalian species, which suggests that this missense change does not adversely affect protein function. In summary, the available evidence is currently insufficient to determine the role of this variant in disease. Therefore, it has been classified as a Variant of Uncertain Significance.

Color Diagnostics, LLC DBA Color Health
Classification: Uncertain significance for Hereditary cancer-predisposing syndrome. Last evaluated: 2024-03-06. Review status: criteria provided, single submitter. Criteria: ACMG Guidelines, 2015. Collection method: clinical testing. Allele origin: germline.
Comment: This missense variant replaces asparagine with serine at codon 71 of the RAD51C protein. Computational prediction suggests that this variant may not impact protein structure and function (internally defined REVEL score threshold <= 0.5, PMID: 27666373). To our knowledge, functional studies have not been reported for this variant. This variant has not been reported in individuals affected with RAD51C-related disorders in the literature. This variant has not been identified in the general population by the Genome Aggregation Database (gnomAD). The available evidence is insufficient to determine the role of this variant in disease conclusively. Therefore, this variant is classified as a Variant of Uncertain Significance.

Ambry Genetics
Classification: Likely benign for Hereditary cancer-predisposing syndrome. Last evaluated: 2024-02-23. Review status: criteria provided, single submitter. Criteria: Ambry Variant Classification Scheme 2023. Collection method: clinical testing. Allele origin: germline.

Baylor Genetics
Classification: Uncertain significance for Breast-ovarian cancer, familial, susceptibility to, 3. Last evaluated: 2023-07-12. Review status: criteria provided, single submitter. Criteria: ACMG Guidelines, 2015. Collection method: clinical testing. Allele origin: unknown.

NM_058216.3(RAD51C):c.212A>G (p.Asn71Ser)

Gene: RAD51C (RAD51 paralog C; plus strand). Cytogenetic location: 17q22.
Variant type: single nucleotide variant.
Coding change: c.212A>G on transcript NM_058216.3 (MANE Select); coding-DNA position 212, A replaced by G.
Protein change: p.Asn71Ser; replaces asparagine 71 with serine.
Molecular consequence: missense variant. On other transcripts: non-coding transcript variant (2).
Genome position (GRCh38, 1-based): chr17:58,694,997, A>G. VCF-style: chr17-58694997-A-G. GRCh37 (hg19) VCF-style: chr17-56772358-A-G.
Other names: c.212A>G, p.Asn71Ser (NM_002876.4); short protein forms N71S.
Identifiers: ClinVar variation 820777 (VCV000820777.19), dbSNP rs1598455555, ClinGen allele CA400340072.